The following is an entry in ClinVar:

NM_005529.7(HSPG2):c.12265C>A (p.Leu4089Ile)

Gene: HSPG2 (heparan sulfate proteoglycan 2; minus strand). Cytogenetic location: 1p36.12.
Variant type: single nucleotide variant.
Coding change: c.12265C>A on transcript NM_005529.7 (MANE Select); coding-DNA position 12265, C replaced by A.
Protein change: p.Leu4089Ile; replaces leucine 4089 with isoleucine.
Molecular consequence: missense variant.
Genome position (GRCh38, 1-based): chr1:21,828,399, G>T on the plus strand (C>A on the coding strand, the complement: HSPG2 is on the minus strand). VCF-style: chr1-21828399-G-T. GRCh37 (hg19) VCF-style: chr1-22154892-G-T.
Other names: c.12268C>A, p.Leu4090Ile (NM_001291860.2); short protein forms L4089I, L4090I.
Identifiers: ClinVar variation 1471844 (VCV001471844.8), dbSNP rs2152688933, ClinGen allele CA338900798.

ClinVar aggregate classification (germline): Uncertain significance (1 of 4 stars; one submission).

Submission:

Labcorp Genetics (formerly Invitae), Labcorp
Classification: Uncertain significance. Last evaluated: 2022-01-06. Review status: criteria provided, single submitter. Criteria: Invitae Variant Classification Sherloc (09022015). Collection method: clinical testing. Allele origin: germline.
Comment: In summary, the available evidence is currently insufficient to determine the role of this variant in disease. Therefore, it has been classified as a Variant of Uncertain Significance. Algorithms developed to predict the effect of missense changes on protein structure and function (SIFT, PolyPhen-2, Align-GVGD) all suggest that this variant is likely to be tolerated. This variant has not been reported in the literature in individuals affected with HSPG2-related conditions. This variant is not present in population databases (gnomAD no frequency). This sequence change replaces leucine, which is neutral and non-polar, with isoleucine, which is neutral and non-polar, at codon 4089 of the HSPG2 protein (p.Leu4089Ile).